The following is an entry in ClinVar:

NC_000011.9:g.(63426725_63438761)_(63439203_?)del

Gene: ATL3 (atlastin GTPase 3; minus strand). Cytogenetic location: 11q13.1.
Variant type: Deletion.
Identifiers: ClinVar variation 1704573 (VCV001704573.1).

ClinVar aggregate classification (germline): Uncertain significance (1 of 4 stars; one submission).

Submission:

Women's Health and Genetics/Laboratory Corporation of America, LabCorp
Classification: Uncertain significance. Last evaluated: 2022-07-18. Review status: criteria provided, single submitter. Criteria: LabCorp Variant Classification Summary - May 2015. Collection method: clinical testing. Allele origin: germline.
Comment: Variant summary: The variant identified by MLPA or other technology involves the deletion of exon 1 that contains the canonical translation initiation codon of the ATL3 gene. A presumed nomenclature of c.(?_-396)_(46+1_47-1)del has been designated for the purposes of this classification. Although exact breakpoints of this deletion are not known, it is expected to result in an absent or shortened protein product, however, current published evidence is not sufficient to determine whether loss-of-function variants in the ATL3 gene are associated with disease. The variant was absent in 21300 control chromosomes (gnomAD structural variants dataset). The available data on variant occurrences in the general population are insufficient to allow any conclusion about variant significance. To our knowledge, no occurrence of c.(?_-396)_(46+1_47-1)del in individuals affected with Neuropathy, Hereditary Sensory, Type 1F and no experimental evidence demonstrating its impact on protein function have been reported. One clinical diagnostic laboratory has submitted clinical-significance assessments for this variant to ClinVar after 2014 and classified the variant as uncertain significance. Based on the evidence outlined above, the variant was classified as uncertain significance.